The following is an entry in ClinVar:

ClinVar aggregate classification (germline): Pathogenic (1 of 4 stars; one submission).

Submission:

Quest Diagnostics Nichols Institute San Juan Capistrano
Classification: Pathogenic. Last evaluated: 2023-06-24. Review status: criteria provided, single submitter. Criteria: ACMG/ClinGen CNV Guidelines, 2019. Collection method: clinical testing. Allele origin: unknown.
Comment: This loss involves several protein-coding genes. Haploinsufficiency of ZIC2 is associated with autosomal dominant holoprosencephaly 5 (OMIM 609637; Rehm 2015, Solomon 2010). Furthermore, deletions of 13q31.2q33.2 have been identified in several individuals with similar but variable clinical features (Mimaki 2015, Quelin 2009, Wang 2017). In addition, the current interval encompasses the region associated with congenital microcoria (OMIM 156600). There are no similar copy number losses of this region in the general populations of the Database of Genomic Variants. Thus, this copy number variant (CNV) is classified as pathogenic. References: Mimaki et al., Brain Dev. 2015 Aug;37(7):714-8. PMID: 25454392 Rehm et al., N Engl J Med. 2015 Jun 4;372(23):2235-42. PMID: 26014595; HGNC:12873 Solomon et al., J Med Genet. 2010 Aug;47(8):513-24. PMID: 19955556 Quelin et al., Eur J Med Genet. 2009 Jan-Feb;52(1):41-6. PMID: 19022413 Wang et al., Mol Med Rep. 2017 Jun;15(6):3658-3664. PMID: 28393221

GRCh37/hg19 13q31.2-33.2(chr13:89012420-106371634)x1

Genes: ABCC4 (ATP binding cassette subfamily C member 4 (PEL blood group); minus strand), BIVM (basic, immunoglobulin-like variable motif containing; plus strand), BIVM-ERCC5 (BIVM-ERCC5 readthrough; plus strand), CLDN10 (claudin 10; plus strand), CLYBL (citramalyl-CoA lyase; plus strand) and 47 more. Cytogenetic location: 13q31.2-33.2.
Variant type: copy number loss.
Change: copy number 1 (one copy instead of two) of chr13:89,012,420-106,371,634 (17.36 Mb, GRCh37 coordinates, 1-based), cytogenetic band 13q31.2-33.2.
Identifiers: ClinVar variation 2685478 (VCV002685478.1).